The following is an entry in ClinVar:

NM_006440.5(TXNRD2):c.1471A>G (p.Met491Val)

Gene: TXNRD2 (thioredoxin reductase 2; minus strand). Cytogenetic location: 22q11.21.
Variant type: single nucleotide variant.
Coding change: c.1471A>G on transcript NM_006440.5 (MANE Select); coding-DNA position 1471, A replaced by G.
Protein change: p.Met491Val; replaces methionine 491 with valine.
Molecular consequence: missense variant. On other transcripts: non-coding transcript variant (1).
Genome position (GRCh38, 1-based): chr22:19,877,209, T>C on the plus strand (A>G on the coding strand, the complement: TXNRD2 is on the minus strand). VCF-style: chr22-19877209-T-C. GRCh37 (hg19) VCF-style: chr22-19864732-T-C.
Other names: c.1468A>G, p.Met490Val (NM_001352300.2); c.1381A>G, p.Met461Val (NM_001352301.2); c.1183A>G, p.Met395Val (NM_001352302.2); short protein forms M395V, M490V, M491V, M461V.
Identifiers: ClinVar variation 1773363 (VCV001773363.8), dbSNP rs1317064619, ClinGen allele CA410691623.

ClinVar aggregate classification (germline): Uncertain significance. Review status: criteria provided, multiple submitters, no conflicts (2 of 4 stars). 2 submissions from 2 submitters: Uncertain significance (2). Last evaluated 2025-10-12.

Conditions:
Cardiovascular phenotype. Identifiers: MedGen CN230736.
Primary dilated cardiomyopathy (DCM). Also called: Dilated Cardiomyopathy. Identifiers: Orphanet 217604, MedGen C0007193, MeSH D002311, MONDO:0005021, HP:0001644. Inheritance: Various modes of inheritance.

Allele frequency attached by ClinVar (database versions not stated): gnomAD exomes below 0.00001; TOPMed 0.00001.
gnomAD v4.1: 2 of 1,611,198 alleles (0.00012%); highest among the groups gnomAD compares: African/African-American, 0.0027%; no homozygotes.

Submissions (2):

Ambry Genetics
Classification: Uncertain significance for Cardiovascular phenotype. Last evaluated: 2025-10-12. Review status: criteria provided, single submitter. Criteria: Ambry Variant Classification Scheme 2023. Collection method: clinical testing. Allele origin: germline.
Comment: The p.M491V variant (also known as c.1471A>G), located in coding exon 17 of the TXNRD2 gene, results from an A to G substitution at nucleotide position 1471. The methionine at codon 491 is replaced by valine, an amino acid with highly similar properties. This amino acid position is not well conserved in available vertebrate species. In addition, the in silico prediction for this alteration is inconclusive. The evidence for this gene-disease relationship is limited; therefore, the clinical significance of this alteration is unclear.

Labcorp Genetics (formerly Invitae), Labcorp
Classification: Uncertain significance for Primary dilated cardiomyopathy. Last evaluated: 2022-11-25. Review status: criteria provided, single submitter. Criteria: Invitae Variant Classification Sherloc (09022015). Collection method: clinical testing. Allele origin: germline.
Comment: This variant is present in population databases (no rsID available, gnomAD 0.007%). This variant has not been reported in the literature in individuals affected with TXNRD2-related conditions. Advanced modeling of protein sequence and biophysical properties (such as structural, functional, and spatial information, amino acid conservation, physicochemical variation, residue mobility, and thermodynamic stability) performed at Invitae indicates that this missense variant is not expected to disrupt TXNRD2 protein function. In summary, the available evidence is currently insufficient to determine the role of this variant in disease. Therefore, it has been classified as a Variant of Uncertain Significance. This sequence change replaces methionine, which is neutral and non-polar, with valine, which is neutral and non-polar, at codon 491 of the TXNRD2 protein (p.Met491Val).